The following is an entry in ClinVar:

NM_022455.5(NSD1):c.2560A>G (p.Thr854Ala)

Gene: NSD1 (nuclear receptor binding SET domain protein 1; plus strand). Cytogenetic location: 5q35.3.
Variant type: single nucleotide variant.
Coding change: c.2560A>G on transcript NM_022455.5 (MANE Select); coding-DNA position 2560, A replaced by G.
Protein change: p.Thr854Ala; replaces threonine 854 with alanine.
Molecular consequence: missense variant.
Genome position (GRCh38, 1-based): chr5:177,210,959, A>G. VCF-style: chr5-177210959-A-G. GRCh37 (hg19) VCF-style: chr5-176637960-A-G.
Other names: c.1687A>G, p.Thr563Ala (NM_001365684.2, NM_001409306.1, NM_001409307.1 and 3 more transcripts); c.2560A>G, p.Thr854Ala (NM_001409301.1, NM_001409302.1, NM_001409303.1); c.2140A>G, p.Thr714Ala (NM_001409304.1); c.1807A>G, p.Thr603Ala (NM_001409305.1); short protein forms T854A, T563A, T585A, T603A, T714A.
Identifiers: ClinVar variation 1793107 (VCV001793107.7), dbSNP rs911645648, ClinGen allele CA132830407.

ClinVar aggregate classification (germline): Conflicting classifications of pathogenicity. Review status: criteria provided, conflicting classifications (1 of 4 stars). 2 submissions from 2 submitters: Uncertain significance (1); Benign (1). Last evaluated 2025-02-24.

Conditions:
Inborn genetic diseases. Identifiers: MedGen C0950123, MeSH D030342.

Allele frequency attached by ClinVar (database versions not stated): gnomAD exomes 0.00001; TOPMed 0.00003.
gnomAD v4.1: 5 of 1,614,216 alleles (0.00031%); highest among the groups gnomAD compares: Admixed American, 0.0083%; no homozygotes.

Submissions (2):

Labcorp Genetics (formerly Invitae), Labcorp
Classification: Benign. Last evaluated: 2025-02-24. Review status: criteria provided, single submitter. Criteria: Invitae Variant Classification Sherloc (09022015). Collection method: clinical testing. Allele origin: germline.

Ambry Genetics
Classification: Uncertain significance for Inborn genetic diseases. Last evaluated: 2017-10-27. Review status: criteria provided, single submitter. Criteria: Ambry Variant Classification Scheme 2023. Collection method: clinical testing. Allele origin: germline.
Comment: The p.T854A variant (also known as c.2560A>G), located in coding exon 4 of the NSD1 gene, results from an A to G substitution at nucleotide position 2560. The threonine at codon 854 is replaced by alanine, an amino acid with similar properties. This amino acid position is highly conserved in available vertebrate species. In addition, the in silico prediction for this alteration is inconclusive. Since supporting evidence is limited at this time, the clinical significance of this alteration remains unclear.